The following is an entry in ClinVar:

ClinVar aggregate classification (germline): Uncertain significance (1 of 4 stars; one submission).

Conditions:
Hypertrophic cardiomyopathy. Also called: HYPERTROPHIC MYOCARDIOPATHY. Identifiers: Orphanet 217569, MedGen C0007194, MeSH D002312, MONDO:0005045, HP:0001639.

Submission:

Labcorp Genetics (formerly Invitae), Labcorp
Classification: Uncertain significance for Hypertrophic cardiomyopathy. Last evaluated: 2024-11-07. Review status: criteria provided, single submitter. Criteria: Invitae Variant Classification Sherloc (09022015). Collection method: clinical testing. Allele origin: germline.
Comment: This sequence change replaces glutamic acid, which is acidic and polar, with valine, which is neutral and non-polar, at codon 1402 of the MYH7 protein (p.Glu1402Val). This variant is not present in population databases (gnomAD no frequency). This variant has not been reported in the literature in individuals affected with MYH7-related conditions. Invitae Evidence Modeling of protein sequence and biophysical properties (such as structural, functional, and spatial information, amino acid conservation, physicochemical variation, residue mobility, and thermodynamic stability) indicates that this missense variant is expected to disrupt MYH7 protein function with a positive predictive value of 95%. In summary, the available evidence is currently insufficient to determine the role of this variant in disease. Therefore, it has been classified as a Variant of Uncertain Significance.

NM_000257.4(MYH7):c.4205A>T (p.Glu1402Val)

Gene: MYH7 (myosin heavy chain 7; minus strand). Cytogenetic location: 14q11.2.
Variant type: single nucleotide variant.
Coding change: c.4205A>T on transcript NM_000257.4 (MANE Select); coding-DNA position 4205, A replaced by T.
Protein change: p.Glu1402Val; replaces glutamic acid 1402 with valine.
Molecular consequence: missense variant.
Genome position (GRCh38, 1-based): chr14:23,417,651, T>A on the plus strand (A>T on the coding strand, the complement: MYH7 is on the minus strand). VCF-style: chr14-23417651-T-A. GRCh37 (hg19) VCF-style: chr14-23886860-T-A.
Other names: c.4205A>T, p.Glu1402Val (NM_001407004.1); short protein forms E1402V.
Identifiers: ClinVar variation 3636007 (VCV003636007.2).